The following is an entry in ClinVar:

ClinVar aggregate classification (germline): Uncertain significance (1 of 4 stars; one submission).

Conditions:
Hypertrophic cardiomyopathy. Also called: HYPERTROPHIC MYOCARDIOPATHY. Identifiers: Orphanet 217569, MedGen C0007194, MeSH D002312, MONDO:0005045, HP:0001639.

Submission:

Labcorp Genetics (formerly Invitae), Labcorp
Classification: Uncertain significance for Hypertrophic cardiomyopathy. Last evaluated: 2018-08-20. Review status: criteria provided, single submitter. Criteria: Invitae Variant Classification Sherloc (09022015). Collection method: clinical testing. Allele origin: germline.
Comment: This sequence change replaces glutamic acid with glutamine at codon 165 of the TNNI3 protein (p.Glu165Gln). The glutamic acid residue is highly conserved and there is a small physicochemical difference between glutamic acid and glutamine. In summary, the available evidence is currently insufficient to determine the role of this variant in disease. Therefore, it has been classified as a Variant of Uncertain Significance. Algorithms developed to predict the effect of missense changes on protein structure and function (SIFT, PolyPhen-2, Align-GVGD) all suggest that this variant is likely to be tolerated, but these predictions have not been confirmed by published functional studies and their clinical significance is uncertain. This variant has not been reported in the literature in individuals with TNNI3-related disease. This variant is not present in population databases (ExAC no frequency).

NM_000363.5(TNNI3):c.493G>C (p.Glu165Gln)

Gene: TNNI3 (troponin I3, cardiac type; minus strand). Cytogenetic location: 19q13.42.
Variant type: single nucleotide variant.
Coding change: c.493G>C on transcript NM_000363.5 (MANE Select); coding-DNA position 493, G replaced by C.
Protein change: p.Glu165Gln; replaces glutamic acid 165 with glutamine.
Molecular consequence: missense variant.
Genome position (GRCh38, 1-based): chr19:55,154,086, C>G on the plus strand (G>C on the coding strand, the complement: TNNI3 is on the minus strand). VCF-style: chr19-55154086-C-G. GRCh37 (hg19) VCF-style: chr19-55665454-C-G.
Other names: c.493G>C (LRG_432t1); short protein forms E165Q.
Identifiers: ClinVar variation 573358 (VCV000573358.9), dbSNP rs1057521530, ClinGen allele CA407440338.
Genomic context (GRCh38, chr19:55,154,086, plus strand): 5'-TCACCTTCTCGGTGTCCTCCTTCTTCACCTGCTTGAGGTGGGCCCGCAGGTCCAGGGACT[C>G]CTTAGCCCGGGCCCCCAGCAGCGCCTGCATCATGGCATCTGCAGAGATCCTCACTCTCCG-3'
Protein context (NP_000354.4, residues 155-175): MQALLGARAK[Glu165Gln]SLDLRAHLKQ